The following is an entry in ClinVar:

NM_001271.4(CHD2):c.620C>A (p.Ser207Tyr)

Gene: CHD2 (chromodomain helicase DNA binding protein 2; plus strand). Cytogenetic location: 15q26.1.
Variant type: single nucleotide variant.
Coding change: c.620C>A on transcript NM_001271.4 (MANE Select); coding-DNA position 620, C replaced by A.
Protein change: p.Ser207Tyr; replaces serine 207 with tyrosine.
Molecular consequence: missense variant.
Genome position (GRCh38, 1-based): chr15:92,939,646, C>A. VCF-style: chr15-92939646-C-A. GRCh37 (hg19) VCF-style: chr15-93482876-C-A.
Other names: c.620C>A, p.Ser207Tyr (NM_001042572.3); short protein forms S207Y.
Identifiers: ClinVar variation 2580556 (VCV002580556.2), dbSNP rs2505433077, ClinGen allele CA393900118.

ClinVar aggregate classification (germline): Uncertain significance (1 of 4 stars; one submission).

Submission:

GeneDx
Classification: Uncertain significance. Last evaluated: 2023-11-20. Review status: criteria provided, single submitter. Criteria: GeneDx Variant Classification Process June 2021. Collection method: clinical testing. Allele origin: germline.
Comment: Not observed at significant frequency in large population cohorts (gnomAD); In silico analysis supports that this missense variant has a deleterious effect on protein structure/function; Has not been previously published as pathogenic or benign to our knowledge